The following is an entry in ClinVar:

ClinVar aggregate classification (germline): Likely benign. Review status: criteria provided, single submitter (1 of 4 stars). 2 submissions from 2 submitters: Likely benign (1). 1 of the submissions does not count toward it. Last evaluated 2023-08-27.

Conditions:
Alzheimer disease 4 (AD4). Identifiers: Orphanet 1020, MedGen C1847200, MONDO:0011743, OMIM 606889.
PSEN2-related disorder. Also called: PSEN2-related condition.

Submissions (2):

Labcorp Genetics (formerly Invitae), Labcorp
Classification: Likely benign for Alzheimer disease 4. Last evaluated: 2023-08-27. Review status: criteria provided, single submitter. Criteria: Invitae Variant Classification Sherloc (09022015). Collection method: clinical testing. Allele origin: germline.

PreventionGenetics, part of Exact Sciences
Classification: Likely benign for PSEN2-related condition. Last evaluated: 2019-08-13. Review status: no assertion criteria provided. Collection method: clinical testing. Allele origin: germline. Not counted in ClinVar's aggregate classification.
Comment: This variant is classified as likely benign based on ACMG/AMP sequence variant interpretation guidelines (Richards et al. 2015 PMID: 25741868, with internal and published modifications).

NM_000447.3(PSEN2):c.633C>T (p.Phe211=)

Gene: PSEN2 (presenilin 2; plus strand). Cytogenetic location: 1q42.13.
Variant type: single nucleotide variant.
Coding change: c.633C>T on transcript NM_000447.3 (MANE Select); coding-DNA position 633, C replaced by T.
Protein change: p.Phe211=; no amino-acid change (phenylalanine 211 retained).
Molecular consequence: synonymous variant.
Genome position (GRCh38, 1-based): chr1:226,888,895, C>T. VCF-style: chr1-226888895-C-T. GRCh37 (hg19) VCF-style: chr1-227076596-C-T.
Other names: c.633C>T, p.Phe211= (NM_012486.3); c.633C>T (NM_000447.2).
Identifiers: ClinVar variation 2037780 (VCV002037780.6), dbSNP rs199760083, ClinGen allele CA1424601.